The following is an entry in ClinVar:

NM_001184.4(ATR):c.3193G>A (p.Gly1065Arg)

Gene: ATR (ATR checkpoint kinase; minus strand). Cytogenetic location: 3q23.
Variant type: single nucleotide variant.
Coding change: c.3193G>A on transcript NM_001184.4 (MANE Select); coding-DNA position 3193, G replaced by A.
Protein change: p.Gly1065Arg; replaces glycine 1065 with arginine.
Molecular consequence: missense variant.
Genome position (GRCh38, 1-based): chr3:142,547,889, C>T on the plus strand (G>A on the coding strand, the complement: ATR is on the minus strand). VCF-style: chr3-142547889-C-T. GRCh37 (hg19) VCF-style: chr3-142266731-C-T.
Other names: c.3001G>A, p.Gly1001Arg (NM_001354579.2); short protein forms G1001R, G1065R.
Identifiers: ClinVar variation 1414647 (VCV001414647.6), dbSNP rs1577675053, ClinGen allele CA354810959.

ClinVar aggregate classification (germline): Uncertain significance. Review status: criteria provided, multiple submitters, no conflicts (2 of 4 stars). 4 submissions from 3 submitters: Uncertain significance (4). Last evaluated 2023-02-08.

Conditions:
Inborn genetic diseases. Identifiers: MedGen C0950123, MeSH D030342.
Seckel syndrome 1 (SCKL1). Also called: MICROCEPHALIC PRIMORDIAL DWARFISM I. Identifiers: Orphanet 808, MedGen C4551474, MONDO:0008869, OMIM 210600.
Familial cutaneous telangiectasia and oropharyngeal predisposition cancer syndrome. Identifiers: Orphanet 313846, MedGen C3281203, MONDO:0013806, OMIM 614564.

Allele frequency attached by ClinVar (database versions not stated): gnomAD exomes below 0.00001.
gnomAD v4.1: 1 of 1,613,820 alleles (0.000062%); highest among the groups gnomAD compares: Admixed American, 0.0017%; no homozygotes.

Submissions (4):

Genome-Nilou Lab
Classification: Uncertain significance for Seckel syndrome 1. Last evaluated: 2023-02-08. Review status: criteria provided, single submitter. Criteria: ACMG Guidelines, 2015. Collection method: clinical testing. Allele origin: germline.

Genome-Nilou Lab
Classification: Uncertain significance for Familial cutaneous telangiectasia and oropharyngeal predisposition cancer syndrome. Last evaluated: 2023-02-08. Review status: criteria provided, single submitter. Criteria: ACMG Guidelines, 2015. Collection method: clinical testing. Allele origin: germline.

Ambry Genetics
Classification: Uncertain significance for Inborn genetic diseases. Last evaluated: 2022-09-16. Review status: criteria provided, single submitter. Criteria: Ambry Variant Classification Scheme 2023. Collection method: clinical testing. Allele origin: germline.
Comment: The p.G1065R variant (also known as c.3193G>A), located in coding exon 16 of the ATR gene, results from a G to A substitution at nucleotide position 3193. The glycine at codon 1065 is replaced by arginine, an amino acid with dissimilar properties. This amino acid position is conserved. In addition, this alteration is predicted to be deleterious by in silico analysis. Since supporting evidence is limited at this time, the clinical significance of this alteration remains unclear.

Labcorp Genetics (formerly Invitae), Labcorp
Classification: Uncertain significance. Last evaluated: 2021-08-26. Review status: criteria provided, single submitter. Criteria: Invitae Variant Classification Sherloc (09022015). Collection method: clinical testing. Allele origin: germline.